The following is an entry in ClinVar:

NM_001384140.1(PCDH15):c.424_427dup (p.Asn143fs)

Gene: PCDH15 (protocadherin related 15; minus strand). Cytogenetic location: 10q21.1.
Variant type: Duplication.
Coding change: c.424_427dup on transcript NM_001384140.1 (MANE Select); coding-DNA positions 424 to 427, 4 bases duplicated (GACA; older notation c.424_427dupGACA).
Protein change: p.Asn143fs; shifts the reading frame from asparagine 143.
Molecular consequence: frameshift variant.
Genome position (GRCh38, 1-based): chr10:54,369,167-54,369,170, TGTC duplicated on the plus strand (GACA on the coding strand, the reverse complement: PCDH15 is on the minus strand). VCF-style (leftmost placement, unchanged base first): chr10-54369166-T-TTGTC. GRCh37 (hg19) VCF-style: chr10-56128926-T-TTGTC.
Other names: c.439_442dup, p.Asn148fs (NM_001142763.2, NM_001142771.2); c.424_427dup, p.Asn143fs (NM_001142764.2, NM_001142765.2, NM_001142766.2 and 8 more transcripts); c.358_361dup, p.Asn121fs (NM_001142768.2, NM_001142773.2, NM_001354404.2); c.439_442dup, p.Asn148Argfs (NM_001142769.4); short protein forms N121fs, N143fs, N148fs.
Identifiers: ClinVar variation 3641851 (VCV003641851.2).

ClinVar aggregate classification (germline): Pathogenic (1 of 4 stars; one submission).

Submission:

Labcorp Genetics (formerly Invitae), Labcorp
Classification: Pathogenic. Last evaluated: 2024-02-18. Review status: criteria provided, single submitter. Criteria: Invitae Variant Classification Sherloc (09022015). Collection method: clinical testing. Allele origin: germline.
Comment: This sequence change creates a premature translational stop signal (p.Asn143Argfs*9) in the PCDH15 gene. It is expected to result in an absent or disrupted protein product. Loss-of-function variants in PCDH15 are known to be pathogenic (PMID: 11398101, 11487575, 14570705). This variant is not present in population databases (gnomAD no frequency). This variant has not been reported in the literature in individuals affected with PCDH15-related conditions. For these reasons, this variant has been classified as Pathogenic.

Literature cited by the submitters: PubMed 11398101; PubMed 11487575; PubMed 14570705.